The following is an entry in ClinVar:

ClinVar aggregate classification (germline): Uncertain significance (1 of 4 stars; one submission).

Conditions:
Hereditary cancer-predisposing syndrome. Also called: Tumor predisposition; Hereditary Cancer Syndrome; Hereditary neoplastic syndrome; Neoplastic Syndromes, Hereditary. Identifiers: Orphanet 140162, MedGen C0027672, MeSH D009386, MONDO:0015356.

Submission:

Ambry Genetics
Classification: Uncertain significance for Hereditary cancer-predisposing syndrome. Last evaluated: 2024-05-05. Review status: criteria provided, single submitter. Criteria: Ambry Variant Classification Scheme 2023. Collection method: clinical testing. Allele origin: germline.
Comment: The p.P266R variant (also known as c.797C>G), located in coding exon 4 of the PALB2 gene, results from a C to G substitution at nucleotide position 797. The proline at codon 266 is replaced by arginine, an amino acid with dissimilar properties. This amino acid position is conserved. In addition, this alteration is predicted to be tolerated by in silico analysis. Based on the available evidence, the clinical significance of this variant remains unclear.

NM_024675.4(PALB2):c.797C>G (p.Pro266Arg)

Gene: PALB2 (partner and localizer of BRCA2; minus strand). Cytogenetic location: 16p12.2.
Variant type: single nucleotide variant.
Coding change: c.797C>G on transcript NM_024675.4 (MANE Select); coding-DNA position 797, C replaced by G.
Protein change: p.Pro266Arg; replaces proline 266 with arginine.
Molecular consequence: missense variant. On other transcripts: 5 prime UTR variant (8), intron variant (3).
Genome position (GRCh38, 1-based): chr16:23,635,749, G>C on the plus strand (C>G on the coding strand, the complement: PALB2 is on the minus strand). VCF-style: chr16-23635749-G-C. GRCh37 (hg19) VCF-style: chr16-23647070-G-C.
Other names: c.-89C>G (NM_001407305.1, NM_001407306.1, NM_001407307.1 and 5 more transcripts); c.48+5361C>G (NM_001407314.1); c.-104-5280C>G (NM_001407313.1, NM_001407312.1); c.737C>G, p.Pro246Arg (NM_001407296.1); c.797C>G, p.Pro266Arg (NM_001407297.1, NM_001407298.1, NM_001407299.1 and 3 more transcripts); short protein forms P266R, P246R.
Identifiers: ClinVar variation 3304003 (VCV003304003.1).